The following is an entry in ClinVar:

NM_007294.4(BRCA1):c.135-3013T>A

Gene: BRCA1 (BRCA1 DNA repair associated; minus strand). Cytogenetic location: 17q21.31.
Variant type: single nucleotide variant.
Coding change: c.135-3013T>A on transcript NM_007294.4 (MANE Select); 3013 bases into the intron before coding-DNA position 135, T replaced by A.
Molecular consequence: intron variant.
Genome position (GRCh38, 1-based): chr17:43,109,546, A>T on the plus strand (T>A on the coding strand, the complement: BRCA1 is on the minus strand). VCF-style: chr17-43109546-A-T. GRCh37 (hg19) VCF-style: chr17-41261563-A-T.
Other names: IVS 3-3013T>A; c.-7-3013T>A (NM_001408458.1, NM_001407931.1, NM_001407747.1 and 81 more transcripts); c.-218-14686T>A (NM_001407967.1, NM_001407966.1); c.-169-4590T>A (NM_001407959.1, NM_001407962.1, NM_001408512.1 and 3 more transcripts); c.-54-3013T>A (NM_001407885.1, NM_001407886.1, NM_001407898.1 and 55 more transcripts); c.-8+919T>A (NM_001407746.1, NM_001408468.1, NM_001407842.1 and 14 more transcripts); c.135-3013T>A (NM_001407686.1, NM_001408397.1, NM_001407632.1 and 167 more transcripts); c.81-4590T>A (NM_001408451.1); and 5 more.
Identifiers: ClinVar variation 209504 (VCV000209504.2), dbSNP rs8065872, ClinGen allele CA276474.

ClinVar aggregate classification (germline): Benign (3 of 4 stars; one submission).

Conditions:
Breast-ovarian cancer, familial, susceptibility to, 1 (BROVCA1). Also called: BRCA1 Hereditary Breast and Ovarian Cancer; OVARIAN CANCER, SUSCEPTIBILITY TO. Identifiers: Orphanet 145, MedGen C2676676, MONDO:0011450, OMIM 604370. Disease mechanism: loss of function.

Allele frequency attached by ClinVar (database versions not stated): gnomAD 0.03421 and 0.03670; TOPMed 0.04006; 1000 Genomes Project 0.04173; 1000 Genomes Project 30x 0.04482.
gnomAD v4.1: 5,172 of 152,184 alleles (3.4%); highest among the groups gnomAD compares: African/African-American, 12%; 294 homozygotes.

Submission:

Evidence-based Network for the Interpretation of Germline Mutant Alleles (ENIGMA)
Classification: Benign for Breast-ovarian cancer, familial 1. Last evaluated: 2015-01-12. Review status: reviewed by expert panel. Criteria: ENIGMA BRCA1/2 Classification Criteria (2015). Collection method: curation. Allele origin: germline.
Comment: Class 1 not pathogenic based on frequency >1% in an outbred sampleset. Frequency 0.1484 (African), derived from 1000 genomes (2012-04-30).